The following is an entry in ClinVar:

ClinVar aggregate classification (germline): Benign. Review status: criteria provided, single submitter (1 of 4 stars). 2 submissions from 2 submitters: Benign (1). 1 of the submissions does not count toward it. Last evaluated 2025-03-17.

Conditions:
IQSEC2-related disorder. Also called: IQSEC2-related condition.
Intellectual developmental disorder, X-linked 1. Also called: Atkin Flaitz Patil Smith syndrome; Intellectual disability, X-linked 1; MENTAL RETARDATION, X-LINKED 18; MENTAL RETARDATION, X-LINKED 78. Identifiers: Orphanet 777, MedGen C2931498, MONDO:0010656, OMIM 309530.

Allele frequency attached by ClinVar (database versions not stated): gnomAD exomes below 0.00001.

Submissions (2):

Labcorp Genetics (formerly Invitae), Labcorp
Classification: Benign for Intellectual developmental disorder, X-linked 1. Last evaluated: 2025-03-17. Review status: criteria provided, single submitter. Criteria: Invitae Variant Classification Sherloc (09022015). Collection method: clinical testing. Allele origin: germline.

PreventionGenetics, part of Exact Sciences
Classification: Uncertain significance for IQSEC2-related condition. Last evaluated: 2023-11-22. Review status: no assertion criteria provided. Collection method: clinical testing. Allele origin: germline. Not counted in ClinVar's aggregate classification.
Comment: The IQSEC2 c.1630G>A variant is predicted to result in the amino acid substitution p.Glu544Lys. To our knowledge, this variant has not been reported in the literature or in a large population database, indicating this variant is rare. At this time, the clinical significance of this variant is uncertain due to the absence of conclusive functional and genetic evidence.

NM_001111125.3(IQSEC2):c.1630G>A (p.Glu544Lys)

Gene: IQSEC2 (IQ motif and Sec7 domain ArfGEF 2; minus strand). Cytogenetic location: Xp11.22.
Variant type: single nucleotide variant.
Coding change: c.1630G>A on transcript NM_001111125.3 (MANE Select); coding-DNA position 1630, G replaced by A.
Protein change: p.Glu544Lys; replaces glutamic acid 544 with lysine.
Molecular consequence: missense variant.
Genome position (GRCh38, 1-based): chrX:53,250,946, C>T on the plus strand (G>A on the coding strand, the complement: IQSEC2 is on the minus strand). VCF-style: chrX-53250946-C-T. GRCh37 (hg19) VCF-style: chrX-53280128-C-T.
Other names: c.1630G>A, p.Glu544Lys (NM_001410736.1); c.1015G>A, p.Glu339Lys (NM_015075.2); short protein forms E339K, E544K.
Identifiers: ClinVar variation 3040318 (VCV003040318.4), dbSNP rs2519807532, ClinGen allele CA413164934.